The following is an entry in ClinVar:

NM_020937.4(FANCM):c.3380C>G (p.Ser1127Cys)

Gene: FANCM (FA complementation group M; plus strand). Cytogenetic location: 14q21.2.
Variant type: single nucleotide variant.
Coding change: c.3380C>G on transcript NM_020937.4 (MANE Select); coding-DNA position 3380, C replaced by G.
Protein change: p.Ser1127Cys; replaces serine 1127 with cysteine.
Molecular consequence: missense variant.
Genome position (GRCh38, 1-based): chr14:45,176,134, C>G. VCF-style: chr14-45176134-C-G. GRCh37 (hg19) VCF-style: chr14-45645337-C-G.
Other names: c.3302C>G, p.Ser1101Cys (NM_001308133.2); short protein forms S1101C, S1127C.
Identifiers: ClinVar variation 1712825 (VCV001712825.2), dbSNP rs2503190307, ClinGen allele CA389601284.
Genomic context (GRCh38, chr14:45,176,134, plus strand): 5'-CACAGAATTTAGTTGGAGAGAACAATCATGATGTTGATAACAGTGACCTCCCAGTATTGT[C>G]CACTGATCAAGATGAAAGTTTGCTGTTATTTGAAGATGTTAATACAGAGTTCGACGATGT-3'
Protein context (NP_065988.1, residues 1117-1137): DVDNSDLPVL[Ser1127Cys]TDQDESLLLF

ClinVar aggregate classification (germline): Uncertain significance (1 of 4 stars; one submission).

Submission:

GeneDx
Classification: Uncertain significance. Last evaluated: 2022-04-28. Review status: criteria provided, single submitter. Criteria: GeneDx Variant Classification Process June 2021. Collection method: clinical testing. Allele origin: germline. Affected: yes.
Comment: Not observed at significant frequency in large population cohorts (gnomAD); In silico analysis supports that this missense variant does not alter protein structure/function; Has not been previously published as pathogenic or benign to our knowledge